The following is an entry in ClinVar:

NM_000233.4(LHCGR):c.568C>A (p.Gln190Lys)

Genes: LHCGR (luteinizing hormone/choriogonadotropin receptor; minus strand), STON1-GTF2A1L (STON1-GTF2A1L readthrough; plus strand). Cytogenetic location: 2p16.3.
Variant type: single nucleotide variant.
Coding change: c.568C>A on transcript NM_000233.4 (MANE Select); coding-DNA position 568, C replaced by A.
Protein change: p.Gln190Lys; replaces glutamine 190 with lysine.
Molecular consequence: missense variant. On other transcripts: intron variant (1).
Genome position (GRCh38, 1-based): chr2:48,714,023, G>T on the plus strand (C>A on the coding strand, the complement: LHCGR is on the minus strand). VCF-style: chr2-48714023-G-T. GRCh37 (hg19) VCF-style: chr2-48941162-G-T.
Other names: c.3441+42343G>T (NM_001198593.2); short protein forms Q190K.
Identifiers: ClinVar variation 775713 (VCV000775713.15), dbSNP rs61996318, ClinGen allele CA1653267.

ClinVar aggregate classification (germline): Conflicting classifications of pathogenicity. Review status: criteria provided, conflicting classifications (1 of 4 stars). 4 submissions from 4 submitters: Uncertain significance (1); Likely benign (1). 2 of the submissions do not count toward it. Last evaluated 2025-09-08.

Conditions:
LHCGR-related disorder. Also called: LHCGR-related condition.

Allele frequency attached by ClinVar (database versions not stated): gnomAD exomes 0.00039; ExAC 0.00047; ESP Exome Variant Server 0.00146; gnomAD 0.00163 and 0.00175; TOPMed 0.00168; 1000 Genomes Project 0.00240; 1000 Genomes Project 30x 0.00265.
gnomAD v4.1: 420 of 1,612,960 alleles (0.026%); highest among the groups gnomAD compares: African/African-American, 0.5%; 2 homozygotes.

Submissions (4):

Labcorp Genetics (formerly Invitae), Labcorp
Classification: Likely benign. Last evaluated: 2025-09-08. Review status: criteria provided, single submitter. Criteria: Invitae Variant Classification Sherloc (09022015). Collection method: clinical testing. Allele origin: germline.

GeneDx
Classification: Uncertain significance. Last evaluated: 2021-06-09. Review status: criteria provided, single submitter. Criteria: GeneDx Variant Classification Process June 2021. Collection method: clinical testing. Allele origin: germline. Affected: yes.
Comment: In silico analysis supports that this missense variant does not alter protein structure/function; Has not been previously published as pathogenic or benign to our knowledge; This variant is associated with the following publications: (PMID: 27535533)

PreventionGenetics, part of Exact Sciences
Classification: Likely benign for LHCGR-related condition. Last evaluated: 2019-05-13. Review status: no assertion criteria provided. Collection method: clinical testing. Allele origin: germline. Not counted in ClinVar's aggregate classification.
Comment: This variant is classified as likely benign based on ACMG/AMP sequence variant interpretation guidelines (Richards et al. 2015 PMID: 25741868, with internal and published modifications).

Department of Pathology and Laboratory Medicine, Sinai Health System
Classification: Uncertain significance. Review status: no assertion criteria provided. Collection method: clinical testing. Allele origin: unknown. Affected: yes. Study: The Canadian Open Genetics Repository (COGR). Not counted in ClinVar's aggregate classification.
Comment: The LHCGR p.Gln190Lys variant has been reported in multiple studies assessing the variant's association with polycystic ovary syndrome (PCOS): a study of 315 Han Chinese women with PCOS and 212 controls did not identified the variant in any individuals (Liu_2012_PMID:22546001), a study of 96 Pakistani Punjabi women with PCOS and 96 controls identified the variant at a higher frequency in PCOS cases (OR: 2.73; Liaqat_2014_PMID:25100445), and another study of 150 North Indian women with PCOS and 150 controls also identified the variant at a signficantly higher frequency in PCOS cases (OR: 26.62; Deswal_2019_PMID:30958034). The variant was identified in dbSNP (ID: rs61996318) and in ClinVar (classified as likely benign by Invitae). The variant was not identified in the Cosmic or LOVD 3.0. The variant was identified in control databases in 158 of 282534 chromosomes (1 homozygous) at a frequency of 0.0005592, increasing the likelihood this could be a low frequency benign variant (Genome Aggregation Database March 6, 2019, v2.1.1). The variant was observed in the following populations: African in 146 of 24964 chromosomes (freq: 0.005848), Latino in 9 of 35372 chromosomes (freq: 0.000254), Other in 1 of 7214 chromosomes (freq: 0.000139) and European (non-Finnish) in 2 of 128962 chromosomes (freq: 0.000016), but was not observed in the Ashkenazi Jewish, East Asian, European (Finnish), or South Asian populations. The p.Gln190 residue is conserved in mammals but not in more distantly related organisms; however, computational analyses (PolyPhen-2, SIFT, AlignGVGD, BLOSUM, MutationTaster) do not suggest a high likelihood of impact to the protein; this information is not predictive enough to rule out pathogenicity. The variant occurs outside of the splicing consensus sequence and in silico or computational prediction software programs (SpliceSiteFinder, MaxEntScan, NNSPLICE, GeneSplicer) do not predict a difference in splicing. In summary, based on the above information the clinical significance of this variant cannot be determined with certainty at this time. This variant is classified as a variant of uncertain significance.